The following is an entry in ClinVar:

NM_004655.4(AXIN2):c.1127C>T (p.Ser376Leu)

Gene: AXIN2 (axin 2; minus strand). Cytogenetic location: 17q24.1.
Variant type: single nucleotide variant.
Coding change: c.1127C>T on transcript NM_004655.4 (MANE Select); coding-DNA position 1127, C replaced by T.
Protein change: p.Ser376Leu; replaces serine 376 with leucine.
Molecular consequence: missense variant.
Genome position (GRCh38, 1-based): chr17:65,538,276, G>A on the plus strand (C>T on the coding strand, the complement: AXIN2 is on the minus strand). VCF-style: chr17-65538276-G-A. GRCh37 (hg19) VCF-style: chr17-63534394-G-A.
Other names: c.1127C>T, p.Ser376Leu (NM_001363813.1); short protein forms S376L.
Identifiers: ClinVar variation 956195 (VCV000956195.13), dbSNP rs772908702, ClinGen allele CA8718852.
Genomic context (GRCh38, chr17:65,538,276, plus strand): 5'-TGCAGGCGCTCCTCCAGGCTGTGGCGGCTCTCCAACTCCAGCTTCAGCTTTTCCAGCCTC[G>A]AGATCAGCTCAGCTGCAAAGGTGGCGGGTTCCACGGGGGTCATCTCCTTGGGCAGGCGGT-3'
Protein context (NP_004646.3, residues 366-386): EPATFAAELI[Ser376Leu]RLEKLKLELE

ClinVar aggregate classification (germline): Conflicting classifications of pathogenicity. Review status: criteria provided, conflicting classifications (1 of 4 stars). 4 submissions from 4 submitters: Uncertain significance (3); Likely benign (1). Last evaluated 2026-01-10.

Conditions:
Colorectal cancer. Also called: Colorectal cancer, somatic; Malignant Colorectal Neoplasm. Identifiers: MedGen C0346629, MONDO:0005575, OMIM 114500.
Hereditary cancer-predisposing syndrome. Also called: Hereditary neoplastic syndrome; Tumor predisposition; Neoplastic Syndromes, Hereditary; Hereditary Cancer Syndrome. Identifiers: Orphanet 140162, MedGen C0027672, MeSH D009386, MONDO:0015356.
Oligodontia-cancer predisposition syndrome. Also called: TOOTH AGENESIS-COLORECTAL CANCER SYNDROME. Identifiers: Orphanet 300576, MedGen C1837750, MONDO:0012075, OMIM 608615. Disease mechanism: loss of function.

Allele frequency attached by ClinVar (database versions not stated): ExAC 0.00001.

Submissions (4):

Labcorp Genetics (formerly Invitae), Labcorp
Classification: Uncertain significance for Oligodontia-cancer predisposition syndrome. Last evaluated: 2026-01-10. Review status: criteria provided, single submitter. Criteria: Invitae Variant Classification Sherloc (09022015). Collection method: clinical testing. Allele origin: germline.
Comment: This sequence change replaces serine, which is neutral and polar, with leucine, which is neutral and non-polar, at codon 376 of the AXIN2 protein (p.Ser376Leu). This variant is present in population databases (rs772908702, gnomAD 0.02%). This variant has not been reported in the literature in individuals affected with AXIN2-related conditions. ClinVar contains an entry for this variant (Variation ID: 956195). Invitae Evidence Modeling of protein sequence and biophysical properties (such as structural, functional, and spatial information, amino acid conservation, physicochemical variation, residue mobility, and thermodynamic stability) indicates that this missense variant is not expected to disrupt AXIN2 protein function with a negative predictive value of 80%. In summary, the available evidence is currently insufficient to determine the role of this variant in disease. Therefore, it has been classified as a Variant of Uncertain Significance.

Ambry Genetics
Classification: Likely benign for Hereditary cancer-predisposing syndrome. Last evaluated: 2024-04-17. Review status: criteria provided, single submitter. Criteria: Ambry Variant Classification Scheme 2023. Collection method: clinical testing. Allele origin: germline.

Baylor Genetics
Classification: Uncertain significance for Colorectal cancer. Last evaluated: 2023-10-13. Review status: criteria provided, single submitter. Criteria: ACMG Guidelines, 2015. Collection method: clinical testing. Allele origin: unknown.

GeneDx
Classification: Uncertain significance. Last evaluated: 2023-06-28. Review status: criteria provided, single submitter. Criteria: GeneDx Variant Classification Process June 2021. Collection method: clinical testing. Allele origin: germline. Affected: yes.
Comment: In silico analysis supports that this missense variant has a deleterious effect on protein structure/function; Has not been previously published as pathogenic or benign to our knowledge; This variant is associated with the following publications: (PMID: 15735151)